The following is an entry in ClinVar:

NM_000443.4(ABCB4):c.1230G>T (p.Lys410Asn)

Gene: ABCB4 (ATP binding cassette subfamily B member 4; minus strand). Cytogenetic location: 7q21.12.
Variant type: single nucleotide variant.
Coding change: c.1230G>T on transcript NM_000443.4 (MANE Select); coding-DNA position 1230, G replaced by T.
Protein change: p.Lys410Asn; replaces lysine 410 with asparagine.
Molecular consequence: missense variant.
Genome position (GRCh38, 1-based): chr7:87,443,663, C>A on the plus strand (G>T on the coding strand, the complement: ABCB4 is on the minus strand). VCF-style: chr7-87443663-C-A. GRCh37 (hg19) VCF-style: chr7-87072979-C-A.
Other names: c.1230G>T, p.Lys410Asn (NM_018849.3, NM_018850.3); short protein forms K410N.
Identifiers: ClinVar variation 4996961 (VCV004996961.1).

ClinVar aggregate classification (germline): Uncertain significance (1 of 4 stars; one submission).

Conditions:
ABCB4-related disorder. Also called: ABCB4-related disorders; ABCB4-related condition.

Submission:

PreventionGenetics, part of Exact Sciences
Classification: Uncertain significance for ABCB4-related condition. Last evaluated: 2025-01-02. Review status: criteria provided, single submitter. Criteria: ACMG Guidelines, 2015. Collection method: clinical testing. Allele origin: germline.
Comment: The ABCB4 c.1230G>T variant is predicted to result in the amino acid substitution p.Lys410Asn. To our knowledge, this variant has not been reported in the literature or in a large population database (gnomAD), indicating this variant is rare. At this time, the clinical significance of this variant is uncertain due to the absence of conclusive functional and genetic evidence.